The following is an entry in ClinVar:

NM_005802.5(TOPORS):c.95G>T (p.Arg32Leu)

Gene: TOPORS (TOP1 binding arginine/serine rich protein, E3 ubiquitin ligase; minus strand). Cytogenetic location: 9p21.1.
Variant type: single nucleotide variant.
Coding change: c.95G>T on transcript NM_005802.5 (MANE Select); coding-DNA position 95, G replaced by T.
Protein change: p.Arg32Leu; replaces arginine 32 with leucine.
Molecular consequence: missense variant. On other transcripts: intron variant (1).
Genome position (GRCh38, 1-based): chr9:32,550,877, C>A on the plus strand (G>T on the coding strand, the complement: TOPORS is on the minus strand). VCF-style: chr9-32550877-C-A. GRCh37 (hg19) VCF-style: chr9-32550875-C-A.
Other names: c.3+1557G>T (NM_001195622.2); short protein forms R32L.
Identifiers: ClinVar variation 4728312 (VCV004728312.1).
Genomic context (GRCh38, chr9:32,550,877, plus strand): 5'-AGCTCCCGGCAGCCCAGAAAGCTAGGTCGGTGTCGGCAGGATCCGCGAAGGCGTACCCGG[C>A]GACTTCTCCGCCTACCCTCCGAAGCGGGAGCAGGCGGGGGCGCTTCACCCTCCTCGCGAG-3'
Protein context (NP_005793.2, residues 22-42): APASEGRRRS[Arg32Leu]RVRLRGSCRH

ClinVar aggregate classification (germline): Uncertain significance (1 of 4 stars; one submission).

Submission:

Labcorp Genetics (formerly Invitae), Labcorp
Classification: Uncertain significance. Last evaluated: 2025-10-14. Review status: criteria provided, single submitter. Criteria: Invitae Variant Classification Sherloc (09022015). Collection method: clinical testing. Allele origin: germline.
Comment: This sequence change replaces arginine, which is basic and polar, with leucine, which is neutral and non-polar, at codon 32 of the TOPORS protein (p.Arg32Leu). This variant is not present in population databases (gnomAD no frequency). This variant has not been reported in the literature in individuals affected with TOPORS-related conditions. An algorithm developed to predict the effect of missense changes on protein structure and function (PolyPhen-2) suggests that this variant is likely to be disruptive. In summary, the available evidence is currently insufficient to determine the role of this variant in disease. Therefore, it has been classified as a Variant of Uncertain Significance.